The following is an entry in ClinVar:

NM_145698.5(ACBD5):c.1435G>T (p.Ala479Ser)

Gene: ACBD5 (acyl-CoA binding domain containing 5; minus strand). Cytogenetic location: 10p12.1.
Variant type: single nucleotide variant.
Coding change: c.1435G>T on transcript NM_145698.5 (MANE Select); coding-DNA position 1435, G replaced by T.
Protein change: p.Ala479Ser; replaces alanine 479 with serine.
Molecular consequence: missense variant.
Genome position (GRCh38, 1-based): chr10:27,205,218, C>A on the plus strand (G>T on the coding strand, the complement: ACBD5 is on the minus strand). VCF-style: chr10-27205218-C-A. GRCh37 (hg19) VCF-style: chr10-27494147-C-A.
Other names: c.1276G>T, p.Ala426Ser (NM_001352580.2); c.1264G>T, p.Ala422Ser (NM_001352581.1); c.1126G>T, p.Ala376Ser (NM_001352582.2); c.1108G>T, p.Ala370Ser (NM_001352583.1, NM_001352584.1, NM_001301251.2 and 2 more transcripts); c.1141G>T, p.Ala381Ser (NM_001352585.1); c.1258G>T, p.Ala420Ser (NM_001352586.1); c.1225G>T, p.Ala409Ser (NM_001352587.1); c.1231G>T, p.Ala411Ser (NM_001352588.1); and 10 more; short protein forms A302S, A370S, A376S, A381S, A409S, A411S, A420S, A422S.
Identifiers: ClinVar variation 1016426 (VCV001016426.3), dbSNP rs201036937, ClinGen allele CA5450649.

ClinVar aggregate classification (germline): Uncertain significance (1 of 4 stars; one submission).

Allele frequency attached by ClinVar (database versions not stated): ESP Exome Variant Server 0.00008; TOPMed 0.00009; gnomAD exomes 0.00012 and 0.00020; gnomAD 0.00013.
gnomAD v4.1: 331 of 1,612,790 alleles (0.021%); highest among the groups gnomAD compares: Non-Finnish European, 0.025%; no homozygotes.

Submissions (2):

Labcorp Genetics (formerly Invitae), Labcorp
Classification: Uncertain significance. Last evaluated: 2022-04-11. Review status: criteria provided, single submitter. Criteria: Invitae Variant Classification Sherloc (09022015). Collection method: clinical testing. Allele origin: germline.
Comment: This sequence change replaces alanine, which is neutral and non-polar, with serine, which is neutral and polar, at codon 479 of the ACBD5 protein (p.Ala479Ser). This variant is present in population databases (rs201036937, gnomAD 0.02%). This variant has not been reported in the literature in individuals affected with ACBD5-related conditions. ClinVar contains an entry for this variant (Variation ID: 1016426). Algorithms developed to predict the effect of missense changes on protein structure and function output the following: SIFT: "Tolerated"; PolyPhen-2: "Benign"; Align-GVGD: "Class C0". The serine amino acid residue is found in multiple mammalian species, which suggests that this missense change does not adversely affect protein function. In summary, the available evidence is currently insufficient to determine the role of this variant in disease. Therefore, it has been classified as a Variant of Uncertain Significance.

Dr. Peter K. Rogan Lab, Western University
No classification provided (evidence only). Condition: Acute myeloid leukemia. Review status: no classification provided. Collection method: in vitro. Allele origin: not applicable. Functional consequence: retained intron. Not counted in ClinVar's aggregate classification.